The following is an entry in ClinVar:

ClinVar aggregate classification (germline): Likely pathogenic. Review status: criteria provided, multiple submitters, no conflicts (2 of 4 stars). 3 submissions from 3 submitters: Likely pathogenic (2). 1 of the submissions does not count toward it. Last evaluated 2024-07-18.

Conditions:
Neuroocular syndrome 1 (NOC1). Identifiers: Orphanet 659904, MedGen C5925133, MONDO:0971007, OMIM 619539.
Neuroocular syndrome. Identifiers: MedGen C5551362, MONDO:0859193.

Allele frequency attached by ClinVar (database versions not stated): TOPMed below 0.00001; gnomAD 0.00001.
gnomAD v4.1: 1 of 1,488,378 alleles (0.000067%); highest among the groups gnomAD compares: Non-Finnish European, 0.000089%; no homozygotes.

Submissions (3):

GeneDx
Classification: Likely pathogenic. Last evaluated: 2024-07-18. Review status: criteria provided, single submitter. Criteria: GeneDx Variant Classification Process June 2021. Collection method: clinical testing. Allele origin: germline. Affected: yes.
Comment: Not observed at significant frequency in large population cohorts (gnomAD); In silico analysis supports that this missense variant has a deleterious effect on protein structure/function; This variant is associated with the following publications: (PMID: 33824499)

SIB Swiss Institute of Bioinformatics
Classification: Likely pathogenic for Neuroocular syndrome 1. Last evaluated: 2022-03-18. Review status: criteria provided, single submitter. Criteria: ACMG Guidelines, 2015. Collection method: curation. Allele origin: unknown.
Comment: This variant is interpreted as likely pathogenic for Neuroocular syndrome, autosomal dominant. The following ACMG Tag(s) were applied: Absent from controls (or at extremely low frequency if recessive) in Exome Sequencing Project, 1000 Genomes Project, or Exome Aggregation Consortium (PM2); De novo with paternity and maternity confirmed (PS2).

OMIM
Classification: Pathogenic for NEUROOCULAR SYNDROME 1. Last evaluated: 2024-04-30. Review status: no assertion criteria provided. Collection method: literature only. Allele origin: germline. Not counted in ClinVar's aggregate classification.

Literature cited by the submitters: PubMed 33824499 (cited by SIB Swiss Institute of Bioinformatics and OMIM).

NM_020719.3(PRR12):c.3505C>T (p.Arg1169Trp)

Gene: PRR12 (proline rich 12; plus strand). Cytogenetic location: 19q13.33.
Variant type: single nucleotide variant.
Coding change: c.3505C>T on transcript NM_020719.3 (MANE Select); coding-DNA position 3505, C replaced by T.
Protein change: p.Arg1169Trp; replaces arginine 1169 with tryptophan.
Molecular consequence: missense variant.
Genome position (GRCh38, 1-based): chr19:49,597,840, C>T. VCF-style: chr19-49597840-C-T. GRCh37 (hg19) VCF-style: chr19-50101097-C-T.
Other names: c.3505C>T (NM_020719.1); short protein forms R1169W.
Identifiers: ClinVar variation 1285639 (VCV001285639.4), dbSNP rs1435355373, ClinGen allele CA406884516.